The following is an entry in ClinVar:

NM_000038.6(APC):c.1855A>G (p.Thr619Ala)

Gene: APC (APC regulator of Wnt signaling pathway; plus strand). Cytogenetic location: 5q22.2.
Variant type: single nucleotide variant.
Coding change: c.1855A>G on transcript NM_000038.6 (MANE Select); coding-DNA position 1855, A replaced by G.
Protein change: p.Thr619Ala; replaces threonine 619 with alanine.
Molecular consequence: missense variant.
Genome position (GRCh38, 1-based): chr5:112,835,062, A>G. VCF-style: chr5-112835062-A-G. GRCh37 (hg19) VCF-style: chr5-112170759-A-G.
Other names: c.1855A>G, p.Thr619Ala (NM_001127510.3, NM_001354895.2); c.1801A>G, p.Thr601Ala (NM_001127511.3); c.1909A>G, p.Thr637Ala (NM_001354896.2); c.1885A>G, p.Thr629Ala (NM_001354897.2); c.1780A>G, p.Thr594Ala (NM_001354898.2); c.1771A>G, p.Thr591Ala (NM_001354899.2); c.1732A>G, p.Thr578Ala (NM_001354900.2); c.1678A>G, p.Thr560Ala (NM_001354901.2); and 5 more; short protein forms T518A, T560A, T601A, T619A, T459A, T528A, T578A, T637A.
Identifiers: ClinVar variation 1382584 (VCV001382584.8), dbSNP rs2149842748, ClinGen allele CA16025379.

ClinVar aggregate classification (germline): Uncertain significance (1 of 4 stars; one submission).

Conditions:
Familial adenomatous polyposis 1 (FAP1). Also called: POLYPOSIS, ADENOMATOUS INTESTINAL; FAMILIAL ADENOMATOUS POLYPOSIS 1, ATTENUATED. Identifiers: MedGen C2713442, MONDO:0021056, OMIM 175100. Disease mechanism: loss of function.

Submission:

Labcorp Genetics (formerly Invitae), Labcorp
Classification: Uncertain significance for Familial adenomatous polyposis 1. Last evaluated: 2025-03-31. Review status: criteria provided, single submitter. Criteria: Invitae Variant Classification Sherloc (09022015). Collection method: clinical testing. Allele origin: germline.
Comment: This sequence change replaces threonine, which is neutral and polar, with alanine, which is neutral and non-polar, at codon 619 of the APC protein (p.Thr619Ala). This variant is not present in population databases (gnomAD no frequency). This variant has not been reported in the literature in individuals affected with APC-related conditions. ClinVar contains an entry for this variant (Variation ID: 1382584). Invitae Evidence Modeling of protein sequence and biophysical properties (such as structural, functional, and spatial information, amino acid conservation, physicochemical variation, residue mobility, and thermodynamic stability) indicates that this missense variant is not expected to disrupt APC protein function with a negative predictive value of 95%. In summary, the available evidence is currently insufficient to determine the role of this variant in disease. Therefore, it has been classified as a Variant of Uncertain Significance.